The following is an entry in ClinVar:

ClinVar aggregate classification (germline): Uncertain significance (1 of 4 stars; one submission).

Conditions:
Cardiovascular phenotype. Identifiers: MedGen CN230736.

gnomAD v4.1: 1 of 1,613,800 alleles (0.000062%); no homozygotes.

Submission:

Ambry Genetics
Classification: Uncertain significance for Cardiovascular phenotype. Last evaluated: 2022-07-23. Review status: criteria provided, single submitter. Criteria: Ambry Variant Classification Scheme 2023. Collection method: clinical testing. Allele origin: germline.
Comment: The p.G528V variant (also known as c.1583G>T), located in coding exon 5 of the ALPK3 gene, results from a G to T substitution at nucleotide position 1583. The glycine at codon 528 is replaced by valine, an amino acid with dissimilar properties. This amino acid position is conserved. In addition, this alteration is predicted to be tolerated by in silico analysis. Since supporting evidence is limited at this time, the clinical significance of this alteration remains unclear.

NM_020778.5(ALPK3):c.977G>T (p.Gly326Val)

Gene: ALPK3 (alpha kinase 3; plus strand). Cytogenetic location: 15q25.3.
Variant type: single nucleotide variant.
Coding change: c.977G>T on transcript NM_020778.5 (MANE Select); coding-DNA position 977, G replaced by T.
Protein change: p.Gly326Val; replaces glycine 326 with valine.
Molecular consequence: missense variant.
Genome position (GRCh38, 1-based): chr15:84,840,256, G>T. VCF-style: chr15-84840256-G-T. GRCh37 (hg19) VCF-style: chr15-85383487-G-T.
Other names: short protein forms G326V.
Identifiers: ClinVar variation 1775755 (VCV001775755.2), dbSNP rs2505705787, ClinGen allele CA393373968.